The following is an entry in ClinVar:

NM_001267550.2(TTN):c.5875T>A (p.Phe1959Ile)

Gene: TTN (titin; minus strand). Cytogenetic location: 2q31.2.
Variant type: single nucleotide variant.
Coding change: c.5875T>A on transcript NM_001267550.2 (MANE Select); coding-DNA position 5875, T replaced by A.
Protein change: p.Phe1959Ile; replaces phenylalanine 1959 with isoleucine.
Molecular consequence: missense variant.
Genome position (GRCh38, 1-based): chr2:178,775,989, A>T on the plus strand (T>A on the coding strand, the complement: TTN is on the minus strand). VCF-style: chr2-178775989-A-T. GRCh37 (hg19) VCF-style: chr2-179640716-A-T.
Other names: p.F1959I:TTT>ATT; c.5875T>A, p.Phe1959Ile (NM_001256850.1, NM_133378.4, NM_133379.5); c.5737T>A, p.Phe1913Ile (NM_003319.4, NM_133432.3, NM_133437.4); short protein forms F1959I, F1913I.
Identifiers: ClinVar variation 203141 (VCV000203141.25), dbSNP rs562856820, ClinGen allele CA311409.
Genomic context (GRCh38, chr2:178,775,989, plus strand): 5'-ACTTCACAACTTCTTTGGTTTCAGTGGTGTCAACAGGTCTATCCACTTTTTGTACTTCAA[A>T]CTGAAGCTTTCCTGGTTCATGTACGTGAAACTCAGGCCTTGGTTCAGGAGCTCTCCTAAG-3'
Protein context (NP_001254479.2, residues 1949-1969): FHVHEPGKLQ[Phe1959Ile]EVQKVDRPVD

ClinVar aggregate classification (germline): Benign/Likely benign. Review status: criteria provided, multiple submitters, no conflicts (2 of 4 stars). 14 submissions from 11 submitters: Benign (9); Likely benign (1). 4 of the submissions do not count toward it. Last evaluated 2026-05-01.

Conditions:
Cardiovascular phenotype. Identifiers: MedGen CN230736.
Autosomal recessive limb-girdle muscular dystrophy type 2J (LGMDR10). Also called: Limb-girdle muscular dystrophy, type 2J; MUSCULAR DYSTROPHY, LIMB-GIRDLE, AUTOSOMAL RECESSIVE 10. Identifiers: Orphanet 140922, MedGen C1837342, MONDO:0012127, OMIM 608807.
Dilated cardiomyopathy 1G (CMD1G). Identifiers: Orphanet 154, MedGen C1858763, MONDO:0011400, OMIM 604145.
Cardiomyopathy (CMYO). Also called: Cardiomyopathies. Identifiers: Orphanet 167848, MedGen C0878544, MONDO:0004994, HP:0001638. Inheritance: Various modes of inheritance.
Early-onset myopathy with fatal cardiomyopathy (CMYO5). Also called: Salih Myopathy; CONGENITAL MYOPATHY 5 WITH CARDIOMYOPATHY. Identifiers: Orphanet 289377, MedGen C2673677, MONDO:0012714, OMIM 611705. Disease mechanism: loss of function.
Myopathy, myofibrillar, 9, with early respiratory failure (MFM9). Also called: EDSTROM MYOPATHY; MYOPATHY, PROXIMAL, WITH EARLY RESPIRATORY MUSCLE INVOLVEMENT; Myopathy, distal, with early respiratory failure, autosomal dominant; Hereditary myopathy with early respiratory failure. Identifiers: Orphanet 178464, Orphanet 34521, MedGen C1863599, MONDO:0011362, OMIM 603689.
Tibial muscular dystrophy (TMD). Also called: Tibial muscular dystrophy, tardive; UDD MYOPATHY; Udd Distal Myopathy – Tibial Muscular Dystrophy. Identifiers: Orphanet 609, MedGen C1838244, MONDO:0010870, OMIM 600334.

Allele frequency attached by ClinVar (database versions not stated): gnomAD below 0.00001 and 0.00029; TOPMed 0.00005; gnomAD exomes 0.00046 and 0.00100; ExAC 0.00110; 1000 Genomes Project 0.00200; 1000 Genomes Project 30x 0.00203.
gnomAD v4.1: 733 of 1,614,062 alleles (0.045%); highest among the groups gnomAD compares: South Asian, 0.75%; 13 homozygotes.

Submissions (14):

CeGaT Center for Human Genetics Tuebingen
Classification: Likely benign. Last evaluated: 2026-05-01. Review status: criteria provided, single submitter. Criteria: CeGaT Center For Human Genetics Tuebingen Variant Classification Criteria Version 2. Collection method: clinical testing. Allele origin: germline. Affected: yes. Observed: 1 variant allele.
Comment: TTN: BS2

Labcorp Genetics (formerly Invitae), Labcorp
Classification: Benign for Dilated cardiomyopathy 1G; Autosomal recessive limb-girdle muscular dystrophy type 2J. Last evaluated: 2026-01-28. Review status: criteria provided, single submitter. Criteria: Invitae Variant Classification Sherloc (09022015). Collection method: clinical testing. Allele origin: germline.

Genome-Nilou Lab
Classification: Benign for Autosomal recessive limb-girdle muscular dystrophy type 2J. Last evaluated: 2021-09-10. Review status: criteria provided, single submitter. Criteria: ACMG Guidelines, 2015. Collection method: clinical testing. Allele origin: germline. Affected: no.

Genome-Nilou Lab
Classification: Benign for Myopathy, myofibrillar, 9, with early respiratory failure. Last evaluated: 2021-09-10. Review status: criteria provided, single submitter. Criteria: ACMG Guidelines, 2015. Collection method: clinical testing. Allele origin: germline. Affected: no.

Genome-Nilou Lab
Classification: Benign for Early-onset myopathy with fatal cardiomyopathy. Last evaluated: 2021-09-10. Review status: criteria provided, single submitter. Criteria: ACMG Guidelines, 2015. Collection method: clinical testing. Allele origin: germline. Affected: no.

Genome-Nilou Lab
Classification: Benign for Tibial muscular dystrophy. Last evaluated: 2021-09-10. Review status: criteria provided, single submitter. Criteria: ACMG Guidelines, 2015. Collection method: clinical testing. Allele origin: germline. Affected: no.

Women's Health and Genetics/Laboratory Corporation of America, LabCorp
Classification: Benign. Last evaluated: 2020-06-15. Review status: criteria provided, single submitter. Criteria: LabCorp Variant Classification Summary - May 2015. Collection method: clinical testing. Allele origin: germline.
Comment: Variant summary: TTN c.5875T>A (p.Phe1959Ile) results in a non-conservative amino acid change in the encoded protein sequence. Four of five in-silico tools predict a damaging effect of the variant on protein function. The variant allele was found at a frequency of 0.001 in 251176 control chromosomes, predominantly at a frequency of 0.0081 within the South Asian subpopulation in the gnomAD database, including 5 homozygotes. The observed variant frequency within South Asian control individuals in the gnomAD database is approximately 13 fold of the estimated maximal expected allele frequency for a pathogenic variant in TTN causing Cardiomyopathy phenotype (0.00063), strongly suggesting that the variant is a benign polymorphism found primarily in populations of South Asian origin. To our knowledge, no occurrence of c.5875T>A in individuals affected with Cardiomyopathy and no experimental evidence demonstrating its impact on protein function have been reported. Three clinical diagnostic laboratories have submitted clinical-significance assessments for this variant to ClinVar after 2014 without evidence for independent evaluation. All laboratories classified the variant as benign. Based on the evidence outlined above, the variant was classified as benign.

Ambry Genetics
Classification: Benign for Cardiovascular phenotype. Last evaluated: 2019-06-14. Review status: criteria provided, single submitter. Criteria: Ambry Variant Classification Scheme 2023. Collection method: clinical testing. Allele origin: germline.

CHEO Genetics Diagnostic Laboratory, Children's Hospital of Eastern Ontario
Classification: Benign for Cardiomyopathy. Last evaluated: 2018-03-14. Review status: criteria provided, single submitter. Criteria: ACMG Guidelines, 2015. Collection method: clinical testing. Allele origin: germline.

Athena Diagnostics
Classification: Benign. Last evaluated: 2017-04-12. Review status: criteria provided, single submitter. Criteria: Athena Diagnostics Criteria. Collection method: clinical testing. Allele origin: germline.

GeneDx
No classification provided. Last evaluated: 2014-08-08. Review status: no classification provided. Criteria: GeneDx Variant Classification (06012015). Collection method: clinical testing. Allele origin: germline. Affected: yes. Not counted in ClinVar's aggregate classification.
Comment: Missense variants in the TTN gene are considered 'unclassified' if they are not previously reported in the literature and do not have >1% frequency in the population to be considered a polymorphism. Research indicates that truncating mutations in the TTN gene are expected to account for approximately 25% of familial and 18% of sporadic idiopathic DCM; however, truncating variants in the TTN gene have been reported in approximately 3% of reported control alleles. There has been little investigation into non-truncating variants. (Herman D et al. Truncations of titin causing dilated cardiomyopathy. N Eng J Med 366:619-628, 2012) The variant is found in DCM-CRDM panel(s).

Clinical Genetics DNA and cytogenetics Diagnostics Lab, Erasmus MC, Erasmus Medical Center
Classification: Benign. Review status: no assertion criteria provided. Collection method: clinical testing. Allele origin: germline. Affected: yes. Study: VKGL Data-share Consensus. Not counted in ClinVar's aggregate classification.

Clinical Genetics, Academic Medical Center
Classification: Benign. Review status: no assertion criteria provided. Collection method: clinical testing. Allele origin: germline. Affected: yes. Study: VKGL Data-share Consensus. Not counted in ClinVar's aggregate classification.

Laboratory of Diagnostic Genome Analysis, Leiden University Medical Center (LUMC)
Classification: Likely benign. Review status: no assertion criteria provided. Collection method: clinical testing. Allele origin: germline. Affected: yes. Study: VKGL Data-share Consensus. Not counted in ClinVar's aggregate classification.